The following is an entry in ClinVar:

NM_000475.5(NR0B1):c.271del (p.Tyr91fs)

Gene: NR0B1 (nuclear receptor subfamily 0 group B member 1; minus strand). Cytogenetic location: Xp21.2.
Variant type: Deletion.
Coding change: c.271del on transcript NM_000475.5 (MANE Select); coding-DNA position 271, one base deleted (T; older notation c.271delT).
Protein change: p.Tyr91fs; shifts the reading frame from tyrosine 91.
Molecular consequence: frameshift variant.
Genome position (GRCh38, 1-based): chrX:30,309,093, A deleted on the plus strand (T on the coding strand, the reverse complement: NR0B1 is on the minus strand). VCF-style (leftmost placement, unchanged base first): chrX-30309092-TA-T. GRCh37 (hg19) VCF-style: chrX-30327209-TA-T.
Other names: short protein forms Y91fs.
Identifiers: ClinVar variation 2134496 (VCV002134496.4), dbSNP rs2519051970, ClinGen allele CA2580100552.
Genomic context (GRCh38, chrX:30,309,092, plus strand): 5'-GAGCCGCACGAACAGCCCCAGCACGGACCCAGCGTCGCCTCGGGCGCCTTCGGTGCCGCG[TA>T]CGTTTGCTTTGCGCTCGTCAGCATGCTGTAGAGGATGCTGCCCTGCCGTGGGTGGTCTTT-3'

ClinVar aggregate classification (germline): Pathogenic (1 of 4 stars; one submission).

Conditions:
Congenital adrenal hypoplasia, X-linked (AHC). Also called: Isolated X-Linked Adrenal Hypoplasia Congenita; ADRENAL HYPOPLASIA, CONGENITAL, WITH HYPOGONADOTROPIC HYPOGONADISM; X-linked AHC; X-Linked Adrenal Hypoplasia Congenita. Identifiers: Orphanet 95702, MedGen C0342482, MONDO:0010264, OMIM 300200. Disease mechanism: loss of function.
46,XY sex reversal 2. Also called: NR0B1-Related 46,XY CGD; NR0B1-related 46,XY complete gonadal dysgenesis; 46,XY SEX REVERSAL, DAX1-RELATED; 46XY sex reversal 2, dosage-sensitive; Dosage-sensitive sex reversal. Identifiers: MedGen C1848296, MONDO:0010226, OMIM 300018.

Submission:

Labcorp Genetics (formerly Invitae), Labcorp
Classification: Pathogenic for Congenital adrenal hypoplasia, X-linked; 46,XY sex reversal 2. Last evaluated: 2022-05-06. Review status: criteria provided, single submitter. Criteria: Invitae Variant Classification Sherloc (09022015). Collection method: clinical testing. Allele origin: germline.
Comment: This sequence change creates a premature translational stop signal (p.Tyr91Thrfs*173) in the NR0B1 gene. It is expected to result in an absent or disrupted protein product. Loss-of-function variants in NR0B1 are known to be pathogenic (PMID: 7990958, 15841486). This variant is not present in population databases (gnomAD no frequency). This variant has not been reported in the literature in individuals affected with NR0B1-related conditions. For these reasons, this variant has been classified as Pathogenic.

Literature cited by the submitters: PubMed 7990958; PubMed 15841486.